The following is an entry in ClinVar:

ClinVar aggregate classification (germline): Uncertain significance (1 of 4 stars; one submission).

Submission:

GeneDx
Classification: Uncertain significance. Last evaluated: 2024-03-02. Review status: criteria provided, single submitter. Criteria: GeneDx Variant Classification Process June 2021. Collection method: clinical testing. Allele origin: germline. Affected: yes.
Comment: Not observed at significant frequency in large population cohorts (gnomAD); In silico analysis supports that this missense variant does not alter protein structure/function; Has not been previously published as pathogenic or benign to our knowledge

NM_152722.5(HEPACAM):c.10G>A (p.Glu4Lys)

Gene: HEPACAM (hepatic and glial cell adhesion molecule; minus strand). Cytogenetic location: 11q24.2.
Variant type: single nucleotide variant.
Coding change: c.10G>A on transcript NM_152722.5 (MANE Select); coding-DNA position 10, G replaced by A.
Protein change: p.Glu4Lys; replaces glutamic acid 4 with lysine.
Molecular consequence: missense variant.
Genome position (GRCh38, 1-based): chr11:124,935,997, C>T on the plus strand (G>A on the coding strand, the complement: HEPACAM is on the minus strand). VCF-style: chr11-124935997-C-T. GRCh37 (hg19) VCF-style: chr11-124805893-C-T.
Other names: c.10G>A, p.Glu4Lys (NM_001411043.1); short protein forms E4K.
Identifiers: ClinVar variation 3373436 (VCV003373436.1).